The following is an entry in ClinVar:

ClinVar aggregate classification (germline): Uncertain significance (1 of 4 stars; one submission).

Conditions:
Hereditary cancer-predisposing syndrome. Also called: Neoplastic Syndromes, Hereditary; Tumor predisposition; Hereditary neoplastic syndrome; Hereditary Cancer Syndrome. Identifiers: Orphanet 140162, MedGen C0027672, MeSH D009386, MONDO:0015356.

Submission:

Ambry Genetics
Classification: Uncertain significance for Hereditary cancer-predisposing syndrome. Last evaluated: 2026-08-08. Review status: criteria provided, single submitter. Criteria: Ambry Variant Classification Scheme 2023. Collection method: clinical testing. Allele origin: germline.
Comment: The p.D1222H variant (also known as c.3664G>C), located in coding exon 30 of the TSC2 gene, results from a G to C substitution at nucleotide position 3664. The aspartic acid at codon 1222 is replaced by histidine, an amino acid with similar properties. This nucleotide position is highly conserved in available vertebrate species. This amino acid position is not well conserved in available vertebrate species. In silico splice site analysis for this alteration is inconclusive. RNA studies have demonstrated that this variant results in an incomplete splice defect; the clinical impact of this abnormal splicing is unknown at this time (Ambry internal data). In addition, as a missense, this alteration is predicted to be deleterious by in silico analysis. Based on the available evidence, the clinical significance of this variant remains unclear.

NM_000548.5(TSC2):c.3664G>C (p.Asp1222His)

Gene: TSC2 (TSC complex subunit 2; plus strand). Cytogenetic location: 16p13.3.
Variant type: single nucleotide variant.
Coding change: c.3664G>C on transcript NM_000548.5 (MANE Select); coding-DNA position 3664, G replaced by C.
Protein change: p.Asp1222His; replaces aspartic acid 1222 with histidine.
Molecular consequence: missense variant. On other transcripts: non-coding transcript variant (5).
Genome position (GRCh38, 1-based): chr16:2,081,648, G>C. VCF-style: chr16-2081648-G-C. GRCh37 (hg19) VCF-style: chr16-2131649-G-C.
Other names: c.3625G>C, p.Asp1209His (NM_001406667.1); c.3622G>C, p.Asp1208His (NM_001406668.1); c.3553G>C, p.Asp1185His (NM_001406670.1); c.3523G>C, p.Asp1175His (NM_001406671.1); c.3520G>C, p.Asp1174His (NM_001406673.1); c.3517G>C, p.Asp1173His (NM_001406675.1); c.3514G>C, p.Asp1172His (NM_001406676.1); c.3475G>C, p.Asp1159His (NM_001406677.1); and 18 more; short protein forms D1129H, D1142H, D1178H, D1179H, D1221H, D644H, D1025H, D1159H.
Identifiers: ClinVar variation 5031373 (VCV005031373.1).
Genomic context (GRCh38, chr16:2,081,648, plus strand): 5'-TCCGCAGGGAACACCAGCTGGCTGATGAGCCTGGAGAACCCGCTCAGCCCTTTCTCCTCG[G>C]ACATCAACAACATGCCCCTGCAGGAGCTGTCTAACGCCCTCATGGCGGCTGAGCGCTTCA-3'
Protein context (NP_000539.2, residues 1212-1232): LENPLSPFSS[Asp1222His]INNMPLQELS